The following is an entry in ClinVar:

ClinVar aggregate classification (germline): Pathogenic. Review status: criteria provided, multiple submitters, no conflicts (2 of 4 stars). 3 submissions from 3 submitters: Pathogenic (3). Last evaluated 2024-11-28.

Conditions:
Tuberous sclerosis syndrome (TSC). Also called: Tuberous Sclerosis Complex; Tuberous sclerosis. Identifiers: Orphanet 805, MedGen C0041341, MONDO:0001734.
Tuberous sclerosis 2 (TSC2). Identifiers: Orphanet 805, MedGen C1860707, MONDO:0013199, OMIM 613254.

Submissions (3):

Cambridge Genomics Laboratory, East Genomic Laboratory Hub, NHS Genomic Medicine Service
Classification: Pathogenic for Tuberous sclerosis. Last evaluated: 2024-11-28. Review status: criteria provided, single submitter. Criteria: ACGS Best Practice Guidelines for Variant Classification in Rare Disease 2020. Collection method: clinical testing. Allele origin: germline. Affected: yes.
Comment: PVS1,PM2,PP4

GeneDx
Classification: Pathogenic. Last evaluated: 2023-07-21. Review status: criteria provided, single submitter. Criteria: GeneDx Variant Classification Process June 2021. Collection method: clinical testing. Allele origin: germline. Affected: yes.
Comment: Nonsense variant predicted to result in protein truncation or nonsense mediated decay in a gene for which loss-of-function is a known mechanism of disease; Not observed in large population cohorts (gnomAD); This variant is associated with the following publications: (PMID: Peron2021[thesis], 26540169, 32313033)

Labcorp Genetics (formerly Invitae), Labcorp
Classification: Pathogenic for Tuberous sclerosis 2. Last evaluated: 2019-08-23. Review status: criteria provided, single submitter. Criteria: Invitae Variant Classification Sherloc (09022015). Collection method: clinical testing. Allele origin: germline.
Comment: This sequence change creates a premature translational stop signal (p.Gln1554*) in the TSC2 gene. It is expected to result in an absent or disrupted protein product. For these reasons, this variant has been classified as Pathogenic. Loss-of-function variants in TSC2 are known to be pathogenic (PMID: 10205261, 17304050). This variant has been observed in individual(s) affected with tuberous sclerosis (PMID: 26540169). This variant is not present in population databases (ExAC no frequency).

Literature cited by the submitters: PubMed 10205261 (cited by Labcorp Genetics (formerly Invitae), Labcorp); PubMed 17304050 (cited by Labcorp Genetics (formerly Invitae), Labcorp); PubMed 26540169 (cited by Labcorp Genetics (formerly Invitae), Labcorp).

NM_000548.5(TSC2):c.4660C>T (p.Gln1554Ter)

Gene: TSC2 (TSC complex subunit 2; plus strand). Cytogenetic location: 16p13.3.
Variant type: single nucleotide variant.
Coding change: c.4660C>T on transcript NM_000548.5 (MANE Select); coding-DNA position 4660, C replaced by T.
Protein change: p.Gln1554Ter; replaces glutamine 1554 with a stop codon.
Molecular consequence: nonsense.
Genome position (GRCh38, 1-based): chr16:2,085,320, C>T. VCF-style: chr16-2085320-C-T. GRCh37 (hg19) VCF-style: chr16-2135321-C-T.
Other names: c.4459C>T, p.Gln1487Ter (NM_001077183.3); c.4591C>T, p.Gln1531Ter (NM_001114382.3); c.4351C>T, p.Gln1451Ter (NM_001318827.2); c.4315C>T, p.Gln1439Ter (NM_001318829.2); c.3928C>T, p.Gln1310Ter (NM_001318831.2); c.4492C>T, p.Gln1498Ter (NM_001318832.2); c.4462C>T, p.Gln1488Ter (NM_001363528.2); c.4528C>T, p.Gln1510Ter (NM_001370404.1); and 1 more; short protein forms Q1487*, Q1498*, Q1554*, Q1451*, Q1439*, Q1510*, Q1511*, Q1310*.
Identifiers: ClinVar variation 962178 (VCV000962178.11), dbSNP rs2090634528, ClinGen allele CA394305099.